The following is an entry in ClinVar:

ClinVar aggregate classification (germline): Uncertain significance (1 of 4 stars; one submission).

Conditions:
Rubinstein-Taybi syndrome due to EP300 haploinsufficiency. Also called: EP300-Related Rubinstein-Taybi Syndrome; RUBINSTEIN-TAYBI SYNDROME 2. Identifiers: Orphanet 353284, Orphanet 783, MedGen C3150941, MONDO:0013364, OMIM 613684.

Submission:

Labcorp Genetics (formerly Invitae), Labcorp
Classification: Uncertain significance for Rubinstein-Taybi syndrome due to EP300 haploinsufficiency. Last evaluated: 2022-05-12. Review status: criteria provided, single submitter. Criteria: Invitae Variant Classification Sherloc (09022015). Collection method: clinical testing. Allele origin: germline.
Comment: In summary, the available evidence is currently insufficient to determine the role of this variant in disease. Therefore, it has been classified as a Variant of Uncertain Significance. Advanced modeling of protein sequence and biophysical properties (such as structural, functional, and spatial information, amino acid conservation, physicochemical variation, residue mobility, and thermodynamic stability) performed at Invitae indicates that this missense variant is not expected to disrupt EP300 protein function. This variant has not been reported in the literature in individuals affected with EP300-related conditions. This variant is not present in population databases (gnomAD no frequency). This sequence change replaces glutamine, which is neutral and polar, with histidine, which is basic and polar, at codon 1844 of the EP300 protein (p.Gln1844His).

NM_001429.4(EP300):c.5532A>C (p.Gln1844His)

Gene: EP300 (EP300 lysine acetyltransferase; plus strand). Cytogenetic location: 22q13.2.
Variant type: single nucleotide variant.
Coding change: c.5532A>C on transcript NM_001429.4 (MANE Select); coding-DNA position 5532, A replaced by C.
Protein change: p.Gln1844His; replaces glutamine 1844 with histidine.
Molecular consequence: missense variant.
Genome position (GRCh38, 1-based): chr22:41,177,243, A>C. VCF-style: chr22-41177243-A-C. GRCh37 (hg19) VCF-style: chr22-41573247-A-C.
Other names: c.5454A>C, p.Gln1818His (NM_001362843.2); short protein forms Q1818H, Q1844H.
Identifiers: ClinVar variation 1993657 (VCV001993657.4), dbSNP rs1483819669, ClinGen allele CA411709189.
Genomic context (GRCh38, chr22:41,177,243, plus strand): 5'-GGCCCAAATGCTTCGCAGGAGGATGGCCAGCATGCAGCGGACTGGTGTGGTTGGGCAGCA[A>C]CAGGGCCTCCCTTCCCCCACTCCTGCCACTCCAACGACACCAACTGGCCAACAGCCAACC-3'
Protein context (NP_001420.2, residues 1834-1854): SMQRTGVVGQ[Gln1844His]QGLPSPTPAT